The following is an entry in ClinVar:

NM_024795.4(TM4SF20):c.668A>C (p.Lys223Thr)

Gene: TM4SF20 (transmembrane 4 L six family member 20; minus strand). Cytogenetic location: 2q36.3.
Variant type: single nucleotide variant.
Coding change: c.668A>C on transcript NM_024795.4 (MANE Select); coding-DNA position 668, A replaced by C.
Protein change: p.Lys223Thr; replaces lysine 223 with threonine.
Molecular consequence: missense variant.
Genome position (GRCh38, 1-based): chr2:227,363,746, T>G on the plus strand (A>C on the coding strand, the complement: TM4SF20 is on the minus strand). VCF-style: chr2-227363746-T-G. GRCh37 (hg19) VCF-style: chr2-228228462-T-G.
Other names: short protein forms K223T.
Identifiers: ClinVar variation 1596695 (VCV001596695.11), dbSNP rs137891000, ClinGen allele CA2148134.
Genomic context (GRCh38, chr2:227,363,746, plus strand): 5'-ATTCAAACTACTGATACTTACATTTTATTCCCATTAAACTACACAATTTGACTTCTTCGC[T>G]TAGAGACTCCACACAGACAGCCAAGGAAACCGATGACTATCTGACTGAGCCCAAACAGGA-3'
Protein context (NP_079071.2, residues 213-229): GFLGCLCGVS[Lys223Thr]RRSQIV

ClinVar aggregate classification (germline): Benign. Review status: criteria provided, multiple submitters, no conflicts (2 of 4 stars). 3 submissions from 3 submitters: Benign (2). 1 of the submissions does not count toward it. Last evaluated 2026-01-14.

Conditions:
TM4SF20-related disorder. Also called: TM4SF20-related condition.

Allele frequency attached by ClinVar (database versions not stated): ESP Exome Variant Server 0.00354; gnomAD 0.00392 and 0.00462; TOPMed 0.00449; 1000 Genomes Project 0.00539; 1000 Genomes Project 30x 0.00578; gnomAD exomes 0.00624 and 0.00760; ExAC 0.00756.
gnomAD v4.1: 9,941 of 1,613,826 alleles (0.62%); highest among the groups gnomAD compares: South Asian, 2.8%; 114 homozygotes.

Submissions (3):

Labcorp Genetics (formerly Invitae), Labcorp
Classification: Benign. Last evaluated: 2026-01-14. Review status: criteria provided, single submitter. Criteria: Invitae Variant Classification Sherloc (09022015). Collection method: clinical testing. Allele origin: germline.

Breakthrough Genomics
Classification: Benign. Review status: criteria provided, single submitter. Criteria: ACMG Guidelines, 2015. Collection method: not provided. Allele origin: germline. Inheritance: Autosomal dominant inheritance. Affected: yes.

PreventionGenetics, part of Exact Sciences
Classification: Benign for TM4SF20-related condition. Last evaluated: 2019-05-16. Review status: no assertion criteria provided. Collection method: clinical testing. Allele origin: germline. Not counted in ClinVar's aggregate classification.
Comment: This variant is classified as benign based on ACMG/AMP sequence variant interpretation guidelines (Richards et al. 2015 PMID: 25741868, with internal and published modifications).